The following is an entry in ClinVar:

ClinVar aggregate classification (germline): Uncertain significance (1 of 4 stars; one submission).

Conditions:
Inborn genetic diseases. Identifiers: MedGen C0950123, MeSH D030342.

Submission:

Ambry Genetics
Classification: Uncertain significance for Inborn genetic diseases. Last evaluated: 2025-11-09. Review status: criteria provided, single submitter. Criteria: Ambry Variant Classification Scheme 2023. Collection method: clinical testing. Allele origin: germline.
Comment: The p.K47N variant (also known as c.141G>T), located in coding exon 1 of the SAMD9 gene, results from a G to T substitution at nucleotide position 141. The lysine at codon 47 is replaced by asparagine, an amino acid with similar properties. This amino acid position is conserved. In addition, this alteration is predicted to be tolerated by in silico analysis. Based on the available evidence, the clinical significance of this variant remains unclear.

NM_017654.4(SAMD9):c.141G>T (p.Lys47Asn)

Gene: SAMD9 (sterile alpha motif domain containing 9; minus strand). Cytogenetic location: 7q21.2.
Variant type: single nucleotide variant.
Coding change: c.141G>T on transcript NM_017654.4 (MANE Select); coding-DNA position 141, G replaced by T.
Protein change: p.Lys47Asn; replaces lysine 47 with asparagine.
Molecular consequence: missense variant.
Genome position (GRCh38, 1-based): chr7:93,105,957, C>A on the plus strand (G>T on the coding strand, the complement: SAMD9 is on the minus strand). VCF-style: chr7-93105957-C-A. GRCh37 (hg19) VCF-style: chr7-92735270-C-A.
Other names: c.141G>T, p.Lys47Asn (NM_001193307.2); short protein forms K47N.
Identifiers: ClinVar variation 4629934 (VCV004629934.1).